The following is an entry in ClinVar:

NM_004525.3(LRP2):c.3100A>G (p.Lys1034Glu)

Gene: LRP2 (LDL receptor related protein 2; minus strand). Cytogenetic location: 2q31.1.
Variant type: single nucleotide variant.
Coding change: c.3100A>G on transcript NM_004525.3 (MANE Select); coding-DNA position 3100, A replaced by G.
Protein change: p.Lys1034Glu; replaces lysine 1034 with glutamic acid.
Molecular consequence: missense variant.
Genome position (GRCh38, 1-based): chr2:169,246,795, T>C on the plus strand (A>G on the coding strand, the complement: LRP2 is on the minus strand). VCF-style: chr2-169246795-T-C. GRCh37 (hg19) VCF-style: chr2-170103305-T-C.
Other names: short protein forms K1034E.
Identifiers: ClinVar variation 708385 (VCV000708385.18), dbSNP rs150395163, ClinGen allele CA1955127.
Genomic context (GRCh38, chr2:169,246,795, plus strand): 5'-TATCATGACAATCATCGACTCCATCACAGAGATAGTAATTGGGCACACATCTGCCATTTT[T>C]ACAGGGGAAGGAAAATAAGCCACACTGCTCTGTGGGTGGTTCATTGGTTGGGTCCCCCTC-3'
Protein context (NP_004516.2, residues 1024-1044): EQCGLFSFPC[Lys1034Glu]NGRCVPNYYL

ClinVar aggregate classification (germline): Conflicting classifications of pathogenicity. Review status: criteria provided, conflicting classifications (1 of 4 stars). 7 submissions from 7 submitters: Uncertain significance (3); Benign (1); Likely benign (2). 1 of the submissions does not count toward it. Last evaluated 2026-02-02.

Conditions:
Inborn genetic diseases. Identifiers: MedGen C0950123, MeSH D030342.
LRP2-related disorder. Also called: LRP2-related condition.
Donnai-Barrow syndrome. Also called: DBS/FOAR SYNDROME; FACIOOCULOACOUSTICORENAL SYNDROME. Identifiers: Orphanet 2143, MedGen C1857277, MONDO:0009104, OMIM 222448.

Allele frequency attached by ClinVar (database versions not stated): gnomAD exomes 0.00008 and 0.00026; ExAC 0.00028; ESP Exome Variant Server 0.00108; TOPMed 0.00113; gnomAD 0.00115 and 0.00120; 1000 Genomes Project 0.00180; 1000 Genomes Project 30x 0.00219.
gnomAD v4.1: 302 of 1,614,204 alleles (0.019%); highest among the groups gnomAD compares: African/African-American, 0.37%; no homozygotes.

Submissions (7):

Labcorp Genetics (formerly Invitae), Labcorp
Classification: Likely benign. Last evaluated: 2026-02-02. Review status: criteria provided, single submitter. Criteria: Invitae Variant Classification Sherloc (09022015). Collection method: clinical testing. Allele origin: germline.

Ambry Genetics
Classification: Likely benign for Inborn genetic diseases. Last evaluated: 2025-01-20. Review status: criteria provided, single submitter. Criteria: Ambry Variant Classification Scheme 2023. Collection method: clinical testing. Allele origin: germline.

Blueprint Genetics
Classification: Benign. Last evaluated: 2024-11-13. Review status: criteria provided, single submitter. Criteria: ACMG Guidelines, 2015. Collection method: clinical testing. Allele origin: germline.

GeneDx
Classification: Uncertain significance. Last evaluated: 2024-03-07. Review status: criteria provided, single submitter. Criteria: GeneDx Variant Classification Process June 2021. Collection method: clinical testing. Allele origin: germline. Affected: yes.
Comment: In silico analysis supports that this missense variant does not alter protein structure/function; Has not been previously published as pathogenic or benign to our knowledge

Genome-Nilou Lab
Classification: Uncertain significance for Donnai-Barrow syndrome. Last evaluated: 2021-07-15. Review status: criteria provided, single submitter. Criteria: ACMG Guidelines, 2015. Collection method: clinical testing. Allele origin: germline. Affected: no.

Illumina Laboratory Services, Illumina
Classification: Uncertain significance for Donnai-Barrow syndrome. Last evaluated: 2018-01-13. Review status: criteria provided, single submitter. Criteria: ICSL Variant Classification Criteria 13 December 2019. Collection method: clinical testing. Allele origin: germline.

PreventionGenetics, part of Exact Sciences
Classification: Likely benign for LRP2-related condition. Last evaluated: 2022-02-14. Review status: no assertion criteria provided. Collection method: clinical testing. Allele origin: germline. Not counted in ClinVar's aggregate classification.
Comment: This variant is classified as likely benign based on ACMG/AMP sequence variant interpretation guidelines (Richards et al. 2015 PMID: 25741868, with internal and published modifications).